The following is an entry in ClinVar:

NM_016824.5(ADD3):c.25G>A (p.Val9Met)

Gene: ADD3 (adducin 3; plus strand). Cytogenetic location: 10q25.2.
Variant type: single nucleotide variant.
Coding change: c.25G>A on transcript NM_016824.5 (MANE Select); coding-DNA position 25, G replaced by A.
Protein change: p.Val9Met; replaces valine 9 with methionine.
Molecular consequence: missense variant. On other transcripts: 5 prime UTR variant (1).
Genome position (GRCh38, 1-based): chr10:110,100,678, G>A. VCF-style: chr10-110100678-G-A. GRCh37 (hg19) VCF-style: chr10-111860436-G-A.
Other names: c.25G>A, p.Val9Met (NM_001121.4, NM_001320591.2, NM_001320592.2 and 2 more transcripts); c.-264G>A (NM_001320594.2); short protein forms V9M.
Identifiers: ClinVar variation 1474374 (VCV001474374.3), dbSNP rs770809843, ClinGen allele CA5686249.

ClinVar aggregate classification (germline): Uncertain significance (1 of 4 stars; one submission).

Allele frequency attached by ClinVar (database versions not stated): gnomAD exomes 0.00001 and 0.00002; TOPMed 0.00001; ExAC 0.00004.
gnomAD v4.1: 15 of 1,611,074 alleles (0.00093%); highest among the groups gnomAD compares: South Asian, 0.0066%; no homozygotes.

Submission:

Labcorp Genetics (formerly Invitae), Labcorp
Classification: Uncertain significance. Last evaluated: 2021-12-02. Review status: criteria provided, single submitter. Criteria: Invitae Variant Classification Sherloc (09022015). Collection method: clinical testing. Allele origin: germline.
Comment: This sequence change replaces valine, which is neutral and non-polar, with methionine, which is neutral and non-polar, at codon 9 of the ADD3 protein (p.Val9Met). This variant is present in population databases (rs770809843, gnomAD 0.01%). This variant has not been reported in the literature in individuals affected with ADD3-related conditions. Algorithms developed to predict the effect of missense changes on protein structure and function are either unavailable or do not agree on the potential impact of this missense change (SIFT: "Not Available"; PolyPhen-2: "Probably Damaging"; Align-GVGD: "Not Available"). In summary, the available evidence is currently insufficient to determine the role of this variant in disease. Therefore, it has been classified as a Variant of Uncertain Significance.